The following is an entry in ClinVar:

NM_001368894.2(PAX6):c.556C>A (p.Pro186Thr)

Gene: PAX6 (paired box 6; minus strand). Cytogenetic location: 11p13.
Variant type: single nucleotide variant.
Coding change: c.556C>A on transcript NM_001368894.2 (MANE Select); coding-DNA position 556, C replaced by A.
Protein change: p.Pro186Thr; replaces proline 186 with threonine.
Molecular consequence: missense variant. On other transcripts: non-coding transcript variant (2).
Genome position (GRCh38, 1-based): chr11:31,800,700, G>T on the plus strand (C>A on the coding strand, the complement: PAX6 is on the minus strand). VCF-style: chr11-31800700-G-T. GRCh37 (hg19) VCF-style: chr11-31822248-G-T.
Other names: c.514C>A, p.Pro172Thr (NM_000280.6, NM_001127612.3, NM_001258464.2 and 10 more transcripts); c.556C>A, p.Pro186Thr (NM_001258462.3, NM_001258463.2, NM_001310158.2 and 6 more transcripts); c.106C>A, p.Pro36Thr (NM_001310160.2, NM_001310161.3, NM_001368899.2 and 11 more transcripts); c.757C>A, p.Pro253Thr (NM_001368910.2); c.559C>A, p.Pro187Thr (NM_001368911.2); c.631C>A, p.Pro211Thr (NM_001368918.2, NM_001368919.2); c.589C>A, p.Pro197Thr (NM_001368920.2); c.355C>A, p.Pro119Thr (NM_001368921.2, NM_001368922.2, NM_001368923.2 and 4 more transcripts); and 1 more; short protein forms P253T, P186T, P211T, P197T, P36T, P105T, P119T, P172T.
Identifiers: ClinVar variation 1414077 (VCV001414077.8), dbSNP rs1049560370, ClinGen allele CA219467991.
Genomic context (GRCh38, chr11:31,800,700, plus strand): 5'-GCAAAGGGATGCACATATGGAGAGCTGCGTGGATGGCTGCTTGGGTTTTACCTTGCGTAG[G>T]TTGCCCTGGCACCGAAGTCCCCGGATACCAACCAGGGCGGGTGCCCCAGCTTCCGGTCTG-3'
Protein context (NP_001355823.1, residues 176-196): WYPGTSVPGQ[Pro186Thr]TQDGCQQQEG

ClinVar aggregate classification (germline): Uncertain significance (1 of 4 stars; one submission).

Conditions:
Irido-corneo-trabecular dysgenesis (ASGD5). Also called: ANTERIOR SEGMENT DYSGENESIS 5. Identifiers: Orphanet 708, MedGen C0344559, MONDO:0011414, OMIM 604229, HP:0000659.
Aniridia 1 (AN1). Identifiers: Orphanet 250923, MedGen C0344542, MONDO:0024507, OMIM 106210.

Allele frequency attached by ClinVar (database versions not stated): gnomAD exomes below 0.00001.
gnomAD v4.1: 2 of 1,614,078 alleles (0.00012%); highest among the groups gnomAD compares: East Asian, 0.0022%; no homozygotes.

Submission:

Labcorp Genetics (formerly Invitae), Labcorp
Classification: Uncertain significance for Aniridia 1; Irido-corneo-trabecular dysgenesis. Last evaluated: 2025-04-16. Review status: criteria provided, single submitter. Criteria: Invitae Variant Classification Sherloc (09022015). Collection method: clinical testing. Allele origin: germline.
Comment: This sequence change replaces proline, which is neutral and non-polar, with threonine, which is neutral and polar, at codon 172 of the PAX6 protein (p.Pro172Thr). This variant is not present in population databases (gnomAD no frequency). This variant has not been reported in the literature in individuals affected with PAX6-related conditions. ClinVar contains an entry for this variant (Variation ID: 1414077). Invitae Evidence Modeling of protein sequence and biophysical properties (such as structural, functional, and spatial information, amino acid conservation, physicochemical variation, residue mobility, and thermodynamic stability) indicates that this missense variant is not expected to disrupt PAX6 protein function with a negative predictive value of 95%. In summary, the available evidence is currently insufficient to determine the role of this variant in disease. Therefore, it has been classified as a Variant of Uncertain Significance.